The following is an entry in ClinVar:

NM_001148.6(ANK2):c.9413C>A (p.Ser3138Tyr)

Gene: ANK2 (ankyrin 2; plus strand). Cytogenetic location: 4q26.
Variant type: single nucleotide variant.
Coding change: c.9413C>A on transcript NM_001148.6 (MANE Select); coding-DNA position 9413, C replaced by A.
Protein change: p.Ser3138Tyr; replaces serine 3138 with tyrosine.
Molecular consequence: missense variant. On other transcripts: intron variant (68).
Genome position (GRCh38, 1-based): chr4:113,358,031, C>A. VCF-style: chr4-113358031-C-A. GRCh37 (hg19) VCF-style: chr4-114279187-C-A.
Other names: c.9179C>A, p.Ser3060Tyr (NM_001386142.1); c.5813C>A, p.Ser1938Tyr (NM_001386166.1); c.9554C>A, p.Ser3185Tyr (NM_001386174.1); c.9530C>A, p.Ser3177Tyr (NM_001386175.1); c.4412-2792C>A (NM_001386186.2, NM_001386148.2); c.4214-2792C>A (NM_001354269.3); c.4292-2792C>A (NM_001386187.2); c.4253-2792C>A (NM_001386147.1); and 35 more; short protein forms S3177Y, S1938Y, S3060Y, S3138Y, S3185Y.
Identifiers: ClinVar variation 1766891 (VCV001766891.2), dbSNP rs2095911041, ClinGen allele CA357937415.
Genomic context (GRCh38, chr4:113,358,031, plus strand): 5'-ATATGACCAAAAGGTCCTATGCAGATGAAAGTTTTCACTTTTTCCAAATTGGTCAAGAAT[C>A]CAGGGAAGAGACTCTCTCTGAAGATGTGAAAGAAGGGGCTACTGGGGCTGATCCCCTACC-3'
Protein context (NP_001139.3, residues 3128-3148): SFHFFQIGQE[Ser3138Tyr]REETLSEDVK

ClinVar aggregate classification (germline): Uncertain significance (1 of 4 stars; one submission).

Conditions:
Cardiovascular phenotype. Identifiers: MedGen CN230736.

gnomAD v4.1: 4 of 1,613,986 alleles (0.00025%); highest among the groups gnomAD compares: Non-Finnish European, 0.00034%; no homozygotes.

Submission:

Ambry Genetics
Classification: Uncertain significance for Cardiovascular phenotype. Last evaluated: 2022-01-26. Review status: criteria provided, single submitter. Criteria: Ambry Variant Classification Scheme 2023. Collection method: clinical testing. Allele origin: germline.
Comment: The p.S3138Y variant (also known as c.9413C>A), located in coding exon 38 of the ANK2 gene, results from a C to A substitution at nucleotide position 9413. The serine at codon 3138 is replaced by tyrosine, an amino acid with dissimilar properties. This amino acid position is conserved. In addition, the in silico prediction for this alteration is inconclusive. Since supporting evidence is limited at this time, the clinical significance of this alteration remains unclear.